The following is an entry in ClinVar:

NM_000400.4(ERCC2):c.1628A>G (p.Gln543Arg)

Gene: ERCC2 (ERCC excision repair 2, TFIIH core complex helicase subunit; minus strand). Cytogenetic location: 19q13.32.
Variant type: single nucleotide variant.
Coding change: c.1628A>G on transcript NM_000400.4 (MANE Select); coding-DNA position 1628, A replaced by G.
Protein change: p.Gln543Arg; replaces glutamine 543 with arginine.
Molecular consequence: missense variant.
Genome position (GRCh38, 1-based): chr19:45,354,767, T>C on the plus strand (A>G on the coding strand, the complement: ERCC2 is on the minus strand). VCF-style: chr19-45354767-T-C. GRCh37 (hg19) VCF-style: chr19-45858025-T-C.
Other names: short protein forms Q543R.
Identifiers: ClinVar variation 3276220 (VCV003276220.1).
Genomic context (GRCh38, chr19:45,354,767, plus strand): 5'-AGGGAGGGGGTGGCCAGGCGTACCTGCTCATACCAGGAGGCCACGGTGCTCTCCATGTAC[T>C]GGTAGCTGGTGAAGAAGGCCACGATGCCATCAGGGACCACAGCGGACATCTCCAGCAGGA-3'
Protein context (NP_000391.1, residues 533-553): DGIVAFFTSY[Gln543Arg]YMESTVASWY

ClinVar aggregate classification (germline): Uncertain significance (1 of 4 stars; one submission).

Conditions:
Inborn genetic diseases. Identifiers: MedGen C0950123, MeSH D030342.

Submission:

Ambry Genetics
Classification: Uncertain significance for Inborn genetic diseases. Last evaluated: 2024-05-02. Review status: criteria provided, single submitter. Criteria: Ambry Variant Classification Scheme 2023. Collection method: clinical testing. Allele origin: germline.
Comment: The p.Q543R variant (also known as c.1628A>G), located in coding exon 17 of the ERCC2 gene, results from an A to G substitution at nucleotide position 1628. The glutamine at codon 543 is replaced by arginine, an amino acid with highly similar properties. This amino acid position is conserved. In addition, the in silico prediction for this alteration is inconclusive. Based on the available evidence, the clinical significance of this variant remains unclear.